The following is an entry in ClinVar:

ClinVar aggregate classification (germline): Benign. Review status: criteria provided, multiple submitters, no conflicts (2 of 4 stars). 4 submissions from 4 submitters: Benign (4). Last evaluated 2024-11-27.

Conditions:
Familial pulmonary capillary hemangiomatosis (PVOD2). Also called: Pulmonary venoocclusive disease 2, autosomal recessive; Pulmonary venoocclusive disease 2. Identifiers: Orphanet 199241, MedGen C0340848, MONDO:0009329, OMIM 234810.

Allele frequency attached by ClinVar (database versions not stated): ESP Exome Variant Server 0.09381; gnomAD 0.12914 and 0.13588; ExAC 0.14305; gnomAD exomes 0.15038; TOPMed 0.15440; 1000 Genomes Project 30x 0.26530; 1000 Genomes Project 0.26817.
gnomAD v4.1: 113,362 of 1,566,890 alleles (7.2%); highest among the groups gnomAD compares: East Asian, 44%; 13,168 homozygotes.

Submissions (4):

Blueprint Genetics
Classification: Benign. Last evaluated: 2024-11-27. Review status: criteria provided, single submitter. Criteria: ACMG Guidelines, 2015. Collection method: clinical testing. Allele origin: germline.

ARUP Laboratories, Molecular Genetics and Genomics, ARUP Laboratories
Classification: Benign for Familial pulmonary capillary hemangiomatosis. Last evaluated: 2021-02-05. Review status: criteria provided, single submitter. Criteria: ARUP Molecular Germline Variant Investigation Process 2021. Collection method: clinical testing. Allele origin: germline.

GeneDx
Classification: Benign. Last evaluated: 2016-10-31. Review status: criteria provided, single submitter. Criteria: GeneDx Variant Classification (06012015). Collection method: clinical testing. Allele origin: germline. Affected: yes.
Comment: This variant is considered likely benign or benign based on one or more of the following criteria: it is a conservative change, it occurs at a poorly conserved position in the protein, it is predicted to be benign by multiple in silico algorithms, and/or has population frequency not consistent with disease.

Breakthrough Genomics
Classification: Benign. Review status: criteria provided, single submitter. Criteria: ACMG Guidelines, 2015. Collection method: not provided. Allele origin: germline. Inheritance: Autosomal recessive inheritance. Affected: yes.

NM_001013703.4(EIF2AK4):c.*5A>G

Gene: EIF2AK4 (eukaryotic translation initiation factor 2 alpha kinase 4; plus strand). Cytogenetic location: 15q15.1.
Variant type: single nucleotide variant.
Coding change: c.*5A>G on transcript NM_001013703.4 (MANE Select); 5 bases downstream of the stop codon, A replaced by G.
Molecular consequence: 3 prime UTR variant.
Genome position (GRCh38, 1-based): chr15:40,035,089, A>G. VCF-style: chr15-40035089-A-G. GRCh37 (hg19) VCF-style: chr15-40327290-A-G.
Identifiers: ClinVar variation 381186 (VCV000381186.13), dbSNP rs4594236, ClinGen allele CA7474835.